The following is an entry in ClinVar:

NM_000448.3(RAG1):c.323G>A (p.Arg108Gln)

Gene: RAG1 (recombination activating 1; plus strand). Cytogenetic location: 11p12.
Variant type: single nucleotide variant.
Coding change: c.323G>A on transcript NM_000448.3 (MANE Select); coding-DNA position 323, G replaced by A.
Protein change: p.Arg108Gln; replaces arginine 108 with glutamine.
Molecular consequence: missense variant.
Genome position (GRCh38, 1-based): chr11:36,573,627, G>A. VCF-style: chr11-36573627-G-A. GRCh37 (hg19) VCF-style: chr11-36595177-G-A.
Other names: c.323G>A, p.Arg108Gln (NM_001377277.1, NM_001377278.1, NM_001377279.1 and 1 more transcripts); short protein forms R108Q.
Identifiers: ClinVar variation 968838 (VCV000968838.7), dbSNP rs748211230, ClinGen allele CA220600108.

ClinVar aggregate classification (germline): Uncertain significance (1 of 4 stars; one submission).

Conditions:
Combined immunodeficiency with skin granulomas. Identifiers: Orphanet 157949, MedGen C2673536, MONDO:0009306, OMIM 233650.
Severe combined immunodeficiency, autosomal recessive, T cell-negative, B cell-negative, NK cell-positive. Also called: SCID, T CELL-NEGATIVE, B CELL-NEGATIVE, NK CELL-POSITIVE; SCID, AR, T-cell negative, B-cell negative, NK cell-positive; Severe combined immunodeficiency due to complete RAG1/2 deficiency. Identifiers: Orphanet 331206, MedGen C1832322, MONDO:0011086, OMIM 601457.

Allele frequency attached by ClinVar (database versions not stated): gnomAD exomes 0.00001 and 0.00002; gnomAD 0.00002; TOPMed 0.00003.
gnomAD v4.1: 33 of 1,613,988 alleles (0.002%); highest among the groups gnomAD compares: Non-Finnish European, 0.0024%; no homozygotes.

Submission:

Labcorp Genetics (formerly Invitae), Labcorp
Classification: Uncertain significance for Combined immunodeficiency with skin granulomas; Severe combined immunodeficiency, autosomal recessive, T cell-negative, B cell-negative, NK cell-positive. Last evaluated: 2021-09-01. Review status: criteria provided, single submitter. Criteria: Invitae Variant Classification Sherloc (09022015). Collection method: clinical testing. Allele origin: germline.
Comment: This sequence change replaces arginine with glutamine at codon 108 of the RAG1 protein (p.Arg108Gln). The arginine residue is moderately conserved and there is a small physicochemical difference between arginine and glutamine. This variant is not present in population databases (ExAC no frequency). This variant has not been reported in the literature in individuals affected with RAG1-related conditions. Algorithms developed to predict the effect of missense changes on protein structure and function output the following: SIFT: "Deleterious"; PolyPhen-2: "Benign"; Align-GVGD: "Class C0". The glutamine amino acid residue is found in multiple mammalian species, which suggests that this missense change does not adversely affect protein function. In summary, the available evidence is currently insufficient to determine the role of this variant in disease. Therefore, it has been classified as a Variant of Uncertain Significance.